The following is an entry in ClinVar:

NM_002734.5(PRKAR1A):c.1054C>G (p.Arg352Gly)

Gene: PRKAR1A (protein kinase cAMP-dependent type I regulatory subunit alpha; plus strand). Cytogenetic location: 17q24.2.
Variant type: single nucleotide variant.
Coding change: c.1054C>G on transcript NM_002734.5 (MANE Select); coding-DNA position 1054, C replaced by G.
Protein change: p.Arg352Gly; replaces arginine 352 with glycine.
Molecular consequence: missense variant. On other transcripts: intron variant (1).
Genome position (GRCh38, 1-based): chr17:68,530,357, C>G. VCF-style: chr17-68530357-C-G. GRCh37 (hg19) VCF-style: chr17-66526498-C-G.
Other names: c.1054C>G, p.Arg352Gly (NM_001276289.2, NM_001278433.2, NM_001369389.1 and 3 more transcripts); c.973+356C>G (NM_001276290.1); short protein forms R352G.
Identifiers: ClinVar variation 1381598 (VCV001381598.6), dbSNP rs2143390883, ClinGen allele CA400754686.

ClinVar aggregate classification (germline): Uncertain significance (1 of 4 stars; one submission).

Conditions:
Carney complex, type 1 (CNC1). Also called: CARNEY MYXOMA-ENDOCRINE COMPLEX; CARNEY COMPLEX, TYPE I. Identifiers: Orphanet 1359, MedGen C2607929, MONDO:0008057, OMIM 160980.

Submission:

Labcorp Genetics (formerly Invitae), Labcorp
Classification: Uncertain significance for Carney complex, type 1. Last evaluated: 2021-09-16. Review status: criteria provided, single submitter. Criteria: Invitae Variant Classification Sherloc (09022015). Collection method: clinical testing. Allele origin: germline.
Comment: In summary, the available evidence is currently insufficient to determine the role of this variant in disease. Therefore, it has been classified as a Variant of Uncertain Significance. Algorithms developed to predict the effect of missense changes on protein structure and function are either unavailable or do not agree on the potential impact of this missense change (SIFT: "Deleterious"; PolyPhen-2: "Probably Damaging"; Align-GVGD: "Class C0"). This variant has not been reported in the literature in individuals affected with PRKAR1A-related conditions. This variant is not present in population databases (ExAC no frequency). This sequence change replaces arginine with glycine at codon 352 of the PRKAR1A protein (p.Arg352Gly). The arginine residue is highly conserved and there is a moderate physicochemical difference between arginine and glycine.